The following is an entry in ClinVar:

NM_000202.8(IDS):c.219del (p.Phe74fs)

Gene: IDS (iduronate 2-sulfatase; minus strand). Cytogenetic location: Xq28.
Variant type: Deletion.
Coding change: c.219del on transcript NM_000202.8 (MANE Select); coding-DNA position 219, one base deleted (C; older notation c.219delC).
Protein change: p.Phe74fs; shifts the reading frame from phenylalanine 74.
Molecular consequence: frameshift variant. On other transcripts: 5 prime UTR variant (1), non-coding transcript variant (1).
Genome position (GRCh38, 1-based): chrX:149,504,178, G deleted on the plus strand (C on the coding strand, the reverse complement: IDS is on the minus strand). VCF-style (leftmost placement, unchanged base first): chrX-149504177-AG-A. GRCh37 (hg19) VCF-style: chrX-148585707-AG-A.
Other names: c.-8del (NM_001166550.4); c.219del, p.Phe74fs (NM_006123.5); short protein forms F74fs.
Identifiers: ClinVar variation 3256100 (VCV003256100.2).

ClinVar aggregate classification (germline): Pathogenic (1 of 4 stars; one submission).

Conditions:
Mucopolysaccharidosis, MPS-II (MPS2). Also called: Hunter Syndrome; IDURONATE 2-SULFATASE DEFICIENCY; Mucopolysaccharidosis Type II; Mucopolysaccharidosis type 2; Attenuated MPS (subtype; formerly known as mild MPS II); Severe MPS II. Identifiers: Orphanet 580, Orphanet 79388, MedGen C0026705, MONDO:0010674, OMIM 309900.

Submission:

Laboratory of Diagnosis and Therapy of Lysosomal Disorders, University of Padova
Classification: Pathogenic for Mucopolysaccharidosis, MPS-II. Last evaluated: 2024-06-07. Review status: criteria provided, single submitter. Criteria: ACMG Guidelines, 2015. Collection method: literature only. Allele origin: germline. Affected: yes. Observed: 1 variant allele.
Comment: Null variant (PVS1_VeryStrong), Absent from controls (or at low frequency) in gnomAD database (PM2_Moderate), Patient’s phenotype or family history highly specific for the disease (PP4_Strong)

Classification method: ACMG Guidelines [PMID:25741868] with modifications

Literature cited by the submitters: PubMed 22976768.